The following is an entry in ClinVar:

NM_014679.5(CEP57):c.751C>T (p.Pro251Ser)

Gene: CEP57 (centrosomal protein 57; plus strand). Cytogenetic location: 11q21.
Variant type: single nucleotide variant.
Coding change: c.751C>T on transcript NM_014679.5 (MANE Select); coding-DNA position 751, C replaced by T.
Protein change: p.Pro251Ser; replaces proline 251 with serine.
Molecular consequence: missense variant.
Genome position (GRCh38, 1-based): chr11:95,821,922, C>T. VCF-style: chr11-95821922-C-T. GRCh37 (hg19) VCF-style: chr11-95555086-C-T.
Other names: c.724C>T, p.Pro242Ser (NM_001243776.2); c.751C>T, p.Pro251Ser (NM_001243777.2); c.670C>T, p.Pro224Ser (NM_001363604.2); short protein forms P251S, P242S, P224S.
Identifiers: ClinVar variation 472260 (VCV000472260.10), dbSNP rs149293164, ClinGen allele CA6239585.

ClinVar aggregate classification (germline): Conflicting classifications of pathogenicity. Review status: criteria provided, conflicting classifications (1 of 4 stars). 3 submissions from 3 submitters: Uncertain significance (2); Likely benign (1). Last evaluated 2025-04-30.

Conditions:
Mosaic variegated aneuploidy syndrome 2 (MVA2). Identifiers: Orphanet 1052, MedGen C3279843, MONDO:0013582, OMIM 614114.
Inborn genetic diseases. Identifiers: MedGen C0950123, MeSH D030342.

Allele frequency attached by ClinVar (database versions not stated): TOPMed 0.00002; gnomAD 0.00005; gnomAD exomes 0.00006 and 0.00009; ExAC 0.00007; ESP Exome Variant Server 0.00008.
gnomAD v4.1: 98 of 1,612,616 alleles (0.0061%); highest among the groups gnomAD compares: Admixed American, 0.018%; no homozygotes.

Submissions (3):

Labcorp Genetics (formerly Invitae), Labcorp
Classification: Uncertain significance for Mosaic variegated aneuploidy syndrome 2. Last evaluated: 2025-04-30. Review status: criteria provided, single submitter. Criteria: Invitae Variant Classification Sherloc (09022015). Collection method: clinical testing. Allele origin: germline.
Comment: This sequence change replaces proline, which is neutral and non-polar, with serine, which is neutral and polar, at codon 251 of the CEP57 protein (p.Pro251Ser). This variant is present in population databases (rs149293164, gnomAD 0.02%). This variant has not been reported in the literature in individuals affected with CEP57-related conditions. ClinVar contains an entry for this variant (Variation ID: 472260). Invitae Evidence Modeling of protein sequence and biophysical properties (such as structural, functional, and spatial information, amino acid conservation, physicochemical variation, residue mobility, and thermodynamic stability) indicates that this missense variant is not expected to disrupt CEP57 protein function with a negative predictive value of 80%. In summary, the available evidence is currently insufficient to determine the role of this variant in disease. Therefore, it has been classified as a Variant of Uncertain Significance.

Ambry Genetics
Classification: Likely benign for Inborn genetic diseases. Last evaluated: 2024-11-17. Review status: criteria provided, single submitter. Criteria: Ambry Variant Classification Scheme 2023. Collection method: clinical testing. Allele origin: germline.

Fulgent Genetics
Classification: Uncertain significance for Mosaic variegated aneuploidy syndrome 2. Last evaluated: 2024-04-16. Review status: criteria provided, single submitter. Criteria: ACMG Guidelines, 2015. Collection method: clinical testing. Allele origin: germline.